The following is an entry in ClinVar:

NM_014727.3(KMT2B):c.4427T>C (p.Met1476Thr)

Gene: KMT2B (lysine methyltransferase 2B; plus strand). Cytogenetic location: 19q13.12.
Variant type: single nucleotide variant.
Coding change: c.4427T>C on transcript NM_014727.3 (MANE Select); coding-DNA position 4427, T replaced by C.
Protein change: p.Met1476Thr; replaces methionine 1476 with threonine.
Molecular consequence: missense variant.
Genome position (GRCh38, 1-based): chr19:35,727,915, T>C. VCF-style: chr19-35727915-T-C. GRCh37 (hg19) VCF-style: chr19-36218816-T-C.
Other names: short protein forms M1476T.
Identifiers: ClinVar variation 2995837 (VCV002995837.3), dbSNP rs1969529657, ClinGen allele CA405413976.

ClinVar aggregate classification (germline): Uncertain significance (1 of 4 stars; one submission).

Allele frequency attached by ClinVar (database versions not stated): gnomAD exomes below 0.00001; TOPMed below 0.00001.

Submission:

Labcorp Genetics (formerly Invitae), Labcorp
Classification: Uncertain significance. Last evaluated: 2025-10-02. Review status: criteria provided, single submitter. Criteria: Invitae Variant Classification Sherloc (09022015). Collection method: clinical testing. Allele origin: germline.
Comment: This sequence change replaces methionine, which is neutral and non-polar, with threonine, which is neutral and polar, at codon 1476 of the KMT2B protein (p.Met1476Thr). This variant is not present in population databases (gnomAD no frequency). This variant has not been reported in the literature in individuals affected with KMT2B-related conditions. ClinVar contains an entry for this variant (Variation ID: 2995837). Invitae Evidence Modeling of protein sequence and biophysical properties (such as structural, functional, and spatial information, amino acid conservation, physicochemical variation, residue mobility, and thermodynamic stability) indicates that this missense variant is not expected to disrupt KMT2B protein function with a negative predictive value of 95%. In summary, the available evidence is currently insufficient to determine the role of this variant in disease. Therefore, it has been classified as a Variant of Uncertain Significance.